The following is an entry in ClinVar:

ClinVar aggregate classification (germline): Benign. Review status: criteria provided, multiple submitters, no conflicts (2 of 4 stars). 10 submissions from 10 submitters: Benign (8). 2 of the submissions do not count toward it. Last evaluated 2026-02-04.

Conditions:
Mucopolysaccharidosis, MPS-IV-A (MPS4A). Also called: Morquio syndrome A, mild; MORQUIO A DISEASE; Mucopolysaccharidosis type IV A; MORQUIO SYNDROME A; Mucopolysaccharidosis Type IVA; MPS IVA. Identifiers: Orphanet 309297, Orphanet 582, MedGen C0086651, MONDO:0009659, OMIM 253000.

Allele frequency attached by ClinVar (database versions not stated): ESP Exome Variant Server 0.09087; TOPMed 0.09337; gnomAD exomes 0.09382 and 0.09809; ExAC 0.09768; gnomAD 0.08794 and 0.09018; 1000 Genomes Project 30x 0.08901; 1000 Genomes Project 0.08926.
gnomAD v4.1: 150,882 of 1,613,416 alleles (9.4%); highest among the groups gnomAD compares: Middle Eastern, 17%; 7,807 homozygotes.

Submissions (10):

Labcorp Genetics (formerly Invitae), Labcorp
Classification: Benign for Mucopolysaccharidosis, MPS-IV-A. Last evaluated: 2026-02-04. Review status: criteria provided, single submitter. Criteria: Invitae Variant Classification Sherloc (09022015). Collection method: clinical testing. Allele origin: germline.

Genome-Nilou Lab
Classification: Benign for Mucopolysaccharidosis, MPS-IV-A. Last evaluated: 2021-11-07. Review status: criteria provided, single submitter. Criteria: ACMG Guidelines, 2015. Collection method: clinical testing. Allele origin: germline. Affected: no.

Women's Health and Genetics/Laboratory Corporation of America, LabCorp
Classification: Benign. Last evaluated: 2019-02-15. Review status: criteria provided, single submitter. Criteria: LabCorp Variant Classification Summary - May 2015. Collection method: clinical testing. Allele origin: germline.
Comment: Variant summary: GALNS c.634-20C>T alters a non-conserved nucleotide located close to a canonical splice site and therefore could affect mRNA splicing, leading to a significantly altered protein sequence. The variant allele was found at a frequency of 0.096 in 276718 control chromosomes in the gnomAD database, including 1472 homozygotes. The observed variant frequency is approximately 47-folds higher than the estimated maximal expected allele frequency for a pathogenic variant in GALNS causing Mucopolysaccharidosis Type IVA (Morquio Syndrome A) phenotype (0.002), strongly suggesting that the variant is benign. Four ClinVar submissions from clinical diagnostic laboratories (evaluation after 2014) cite the variant as benign. Based on the evidence outlined above, the variant was classified as benign.

GeneDx
Classification: Benign. Last evaluated: 2017-06-16. Review status: criteria provided, single submitter. Criteria: GeneDx Variant Classification (06012015). Collection method: clinical testing. Allele origin: germline. Affected: yes.
Comment: This variant is considered likely benign or benign based on one or more of the following criteria: it is a conservative change, it occurs at a poorly conserved position in the protein, it is predicted to be benign by multiple in silico algorithms, and/or has population frequency not consistent with disease.

Eurofins Ntd Llc (ga)
Classification: Benign. Last evaluated: 2017-01-26. Review status: criteria provided, single submitter. Criteria: EGL Classification Definitions 2015. Collection method: clinical testing. Allele origin: germline. Observed: 30 variant alleles, 23 heterozygotes, 7 homozygotes.

Clinical Genetics DNA and cytogenetics Diagnostics Lab, Erasmus MC, Erasmus Medical Center
Classification: Benign for Mucopolysaccharidosis, MPS-IV-A. Last evaluated: 2015-09-21. Review status: criteria provided, single submitter. Criteria: ACGS Guidelines, 2013. Collection method: clinical testing. Allele origin: germline. Affected: yes. Study: VKGL Data-share Consensus.

Breakthrough Genomics
Classification: Benign. Review status: criteria provided, single submitter. Criteria: ACMG Guidelines, 2015. Collection method: not provided. Allele origin: germline. Inheritance: Autosomal recessive inheritance. Affected: yes.

PreventionGenetics, part of Exact Sciences
Classification: Benign. Review status: criteria provided, single submitter. Criteria: ACMG Guidelines, 2015. Collection method: clinical testing. Allele origin: germline.

Mayo Clinic Laboratories, Mayo Clinic
Classification: Benign. Last evaluated: 2015-10-23. Review status: no assertion criteria provided. Collection method: clinical testing. Allele origin: unknown. Not counted in ClinVar's aggregate classification.

Diagnostic Laboratory, Department of Genetics, University Medical Center Groningen
Classification: Benign for Mucopolysaccharidosis, MPS-IV-A. Review status: no assertion criteria provided. Collection method: clinical testing. Allele origin: germline. Affected: yes. Study: VKGL Data-share Consensus. Not counted in ClinVar's aggregate classification.

NM_000512.5(GALNS):c.634-20C>T

Gene: GALNS (galactosamine (N-acetyl)-6-sulfatase; minus strand). Cytogenetic location: 16q24.3.
Variant type: single nucleotide variant.
Coding change: c.634-20C>T on transcript NM_000512.5 (MANE Select); 20 bases into the intron before coding-DNA position 634, C replaced by T.
Molecular consequence: intron variant.
Genome position (GRCh38, 1-based): chr16:88,835,869, G>A on the plus strand (C>T on the coding strand, the complement: GALNS is on the minus strand). VCF-style: chr16-88835869-G-A. GRCh37 (hg19) VCF-style: chr16-88902277-G-A.
Other names: c.79-20C>T (NM_001323543.2); c.652-20C>T (NM_001323544.2).
Identifiers: ClinVar variation 93182 (VCV000093182.20), dbSNP rs17603837, ClinGen allele CA146723.